The following is an entry in ClinVar:

NM_001845.6(COL4A1):c.2317G>A (p.Gly773Arg)

Gene: COL4A1 (collagen type IV alpha 1 chain; minus strand). Cytogenetic location: 13q34.
Variant type: single nucleotide variant.
Coding change: c.2317G>A on transcript NM_001845.6 (MANE Select); coding-DNA position 2317, G replaced by A.
Protein change: p.Gly773Arg; replaces glycine 773 with arginine.
Molecular consequence: missense variant.
Genome position (GRCh38, 1-based): chr13:110,179,298, C>T on the plus strand (G>A on the coding strand, the complement: COL4A1 is on the minus strand). VCF-style: chr13-110179298-C-T. GRCh37 (hg19) VCF-style: chr13-110831645-C-T.
Other names: c.2317G>A (NM_001845.5); short protein forms G773R.
Identifiers: ClinVar variation 379845 (VCV000379845.35), dbSNP rs672601347, ClinGen allele CA16606390.

ClinVar aggregate classification (germline): Pathogenic/Likely pathogenic. Review status: criteria provided, multiple submitters, no conflicts (2 of 4 stars). 11 submissions from 11 submitters: Pathogenic (9); Likely pathogenic (1). 1 of the submissions does not count toward it. Last evaluated 2026-01-08.

Conditions:
Brain small vessel disease 1 with or without ocular anomalies (BSVD1). Also called: PORENCEPHALY, TYPE 1, AUTOSOMAL DOMINANT; BRAIN SMALL VESSEL DISEASE WITH HEMORRHAGE; Brain small vessel disease with or without ocular anomalies; GOULD SYNDROME 1. Identifiers: Orphanet 2940, Orphanet 36383, Orphanet 99810, MedGen C4755307, MONDO:0008289, OMIM 175780.
Inborn genetic diseases. Identifiers: MedGen C0950123, MeSH D030342.
Autosomal dominant COL4A1-related disorders.
Autosomal dominant familial hematuria-retinal arteriolar tortuosity-contractures syndrome. Also called: Angiopathy, hereditary, with nephropathy, aneurysms, and muscle cramps; Hereditary Angiopathy with Nephropathy, Aneurysms, and Muscle Cramps (HANAC) Syndrome. Identifiers: Orphanet 73229, MedGen C2673195, MONDO:0012726, OMIM 611773.
Hemorrhage, intracerebral, susceptibility to (ICH). Also called: Stroke, hemorrhagic, susceptibility to. Identifiers: MedGen C3281105, MONDO:0100533, OMIM 614519.
Retinal arterial tortuosity. Also called: RETINAL HEMORRHAGE WITH VASCULAR TORTUOSITY; Retinal arteries, tortuosity of. Identifiers: Orphanet 75326, MedGen C0423401, MONDO:0008373, OMIM 180000, HP:0000631.
Microangiopathy and leukoencephalopathy, pontine, autosomal dominant. Also called: DEMENTIA, HEREDITARY MULTI-INFARCT, SWEDISH TYPE; Pontine autosomal dominant microangiopathy with leukoencephalopathy. Identifiers: Orphanet 477749, MedGen C5231411, MONDO:0032814, OMIM 618564.
COL4A1-related disorder. Also called: COL4A1-related disorders; COL4A1-related condition. Identifiers: MedGen CN376119, MONDO:0800461.

Allele frequency attached by ClinVar (database versions not stated): 1000 Genomes Project 30x 0.00016.

Submissions (11):

Variantyx, Inc.
Classification: Pathogenic for Autosomal dominant COL4A1-related disorders. Last evaluated: 2026-01-08. Review status: criteria provided, single submitter. Criteria: Variantyx Assertion Criteria 2022. Collection method: clinical testing. Allele origin: de novo. Inheritance: Autosomal dominant inheritance. Affected: yes.
Comment: This is a nonsynonymous variant in the COL4A1 gene (OMIM: 120130). Pathogenic variants in this gene have been associated with autosomal dominant COL4A1-related disorders. This variant has been also reported in at least two other affected individuals with unknown inheritance (PMID: 22574627, 24628545) (PS4). The alteration replaces a glycine residue in the repetitive Gly-X-Y sequence of the triple helical domain, which is a common disease mechanism in collagenopathies (PMID: 28098982, 15365990) (PM1_Strong). Multiple computational algorithms predict a deleterious effect for this variant (REVEL score: 0.967) (PP3). Based on the current evidence, this variant is classified as pathogenic for autosomal dominant COL4A1-related disorders.

Labcorp Genetics (formerly Invitae), Labcorp
Classification: Pathogenic. Last evaluated: 2024-03-20. Review status: criteria provided, single submitter. Criteria: Invitae Variant Classification Sherloc (09022015). Collection method: clinical testing. Allele origin: germline.
Comment: This sequence change replaces glycine, which is neutral and non-polar, with arginine, which is basic and polar, at codon 773 of the COL4A1 protein (p.Gly773Arg). This variant is not present in population databases (gnomAD no frequency). This missense change has been observed in individual(s) with COL4A1-related conditions (PMID: 22574627, 25457163, 33527515). In at least one individual the variant was observed to be de novo. ClinVar contains an entry for this variant (Variation ID: 379845). An algorithm developed to predict the effect of missense changes on protein structure and function (PolyPhen-2) suggests that this variant is likely to be tolerated. This variant disrupts the triple helix domain of COL4A1. Glycine residues within the Gly-Xaa-Yaa repeats of the triple helix domain are required for the structure and stability of fibrillar collagens (PMID: 7695699, 8218237, 19344236). In COL4A1 variants affecting these glycine residues are significantly enriched in individuals with disease (PMID: 9016532, 17078022) compared to the general population (ExAC). For these reasons, this variant has been classified as Pathogenic.

Blueprint Genetics
Classification: Pathogenic for COL4A1-related disorders. Last evaluated: 2024-03-12. Review status: criteria provided, single submitter. Criteria: ACMG Guidelines, 2015. Collection method: clinical testing. Allele origin: germline. Affected: yes. Observed: 2 variant alleles.

Ambry Genetics
Classification: Pathogenic for Inborn genetic diseases. Last evaluated: 2023-08-10. Review status: criteria provided, single submitter. Criteria: Ambry Variant Classification Scheme 2023. Collection method: clinical testing. Allele origin: germline.
Comment: The c.2317G>A (p.G773R) alteration is located in coding exon 30 of the COL4A1 gene. This alteration results from a G to A substitution at nucleotide position 2317, causing the glycine (G) at amino acid position 773 to be replaced by an arginine (R). This variant was not reported in population-based cohorts in the Genome Aggregation Database (gnomAD). This variant has been determined to be the result of a de novo mutation and has been reported as heterozygous in multiple individuals with features consistent with COL4A1-related disorder (Deml, 2014; Colin, 2014; Slavotinek, 2015; Hausman-Kedem, 2021). Another alteration that causes the same amino acid change c.2317G>C (p.G773R) has also been detected in two related individuals with clinical features consistent with COL4A1-related disorder (Shah, 2012). This amino acid position is highly conserved in available vertebrate species. The p.G773 amino acid is located within the triple-helical domain of the collagen IV alpha 1 chain, and this alteration affects one of the highly conserved glycine residues in the Gly-X-Y motif that make up this domain (Ramshaw, 1998). This alteration is predicted to be deleterious by in silico analysis. Based on the available evidence, this alteration is classified as pathogenic.

Molecular Medicine, University of Pavia
Classification: Likely pathogenic for Brain small vessel disease 1 with or without ocular anomalies. Last evaluated: 2023-07-28. Review status: criteria provided, single submitter. Criteria: ACMG Guidelines, 2015. Collection method: research. Allele origin: inherited. Affected: yes. Observed: 1 variant allele.

3billion
Classification: Pathogenic for Brain small vessel disease 1 with or without ocular anomalies. Last evaluated: 2022-09-01. Review status: criteria provided, single submitter. Criteria: ACMG Guidelines, 2015. Collection method: clinical testing. Allele origin: germline. Affected: yes. Observed: 1 heterozygote.
Comment: The variant is not observed in the gnomAD v2.1.1 dataset. Missense changes are a common disease-causing mechanism. In silico tool predictions suggest damaging effect of the variant on gene or gene product (REVEL: 0.97; 3Cnet: 0.87). Same nucleotide change resulting in same amino acid change has been previously reported as pathogenic/likely pathogenic with strong evidence (ClinVar ID: VCV000379845). The variant has been previously reported as de novo in at least two similarly affected unrelated individuals (PMID: 25457163 , 33527515). The variant has been observed in multiple (>3) similarly affected unrelated individuals (PMID: 22574627 , 24374867 , 24628545 , 25457163 , 31051113 , 33353976 , 33527515). Therefore, this variant is classified as Pathogenic according to the recommendation of ACMG/AMP guideline.

GeneDx
Classification: Pathogenic. Last evaluated: 2021-11-22. Review status: criteria provided, single submitter. Criteria: GeneDx Variant Classification Process June 2021. Collection method: clinical testing. Allele origin: germline. Affected: yes.
Comment: Affects a glycine residue in a Gly-X-Y motif in the triple-helical region of the COL4A1 gene, where the majority of pathogenic missense variants occur and is predicted to disrupt normal protein folding and function (HGMD); Not observed in large population cohorts (gnomAD); In silico analysis supports that this missense variant has a deleterious effect on protein structure/function; This variant is associated with the following publications: (PMID: 25457163, 28098148, 24628545, 30837194, 31051113, 33527515, 31848469, 16107487, 17938367, 23394911)

Fulgent Genetics
Classification: Pathogenic for Brain small vessel disease 1 with or without ocular anomalies; Retinal arterial tortuosity; Autosomal dominant familial hematuria-retinal arteriolar tortuosity-contractures syndrome; Hemorrhage, intracerebral, susceptibility to; Microangiopathy and leukoencephalopathy, pontine, autosomal dominant. Last evaluated: 2021-07-14. Review status: criteria provided, single submitter. Criteria: ACMG Guidelines, 2015. Collection method: clinical testing. Allele origin: unknown.

Institute of Medical Genetics and Applied Genomics, University Hospital Tübingen
Classification: Pathogenic. Last evaluated: 2020-10-23. Review status: criteria provided, single submitter. Criteria: ACMG Guidelines, 2015. Collection method: clinical testing. Allele origin: germline. Inheritance: Autosomal dominant inheritance. Affected: yes.

Neuberg Centre For Genomic Medicine, NCGM
Classification: Pathogenic for Brain small vessel disease 1 with or without ocular anomalies. Review status: criteria provided, single submitter. Criteria: ACMG Guidelines, 2015. Collection method: clinical testing. Allele origin: germline. Inheritance: Autosomal dominant inheritance. Affected: yes.
Comment: The observed missense c.2317G>A (p.Gly773Arg) variant in COL4A1 gene has been reported in multiple individuals affected with COL4A1-related disorders (Shah et al., 2012; Colin et al., 2014; Deml et al., 2014; Slavotinek et al., 2015; Labelle-Dumais et al., 2019; Hausman-Kedem et al., 2021). This variant is absent in gnomAD Exomes. This variant has been submitted to the ClinVar database as Pathogenic (multiple submissions). Multiple lines of computational evidence (Polyphen - Probably Damaging, SIFT - Damaging and MutationTaster - Disease causing) predict a damaging effect on protein structure and function for this variant. The reference amino acid of p.Gly773Arg in COL4A1 is predicted as conserved by GERP++ and PhyloP across 100 vertebrates. The amino acid Gly at position 773 is changed to a Arg changing protein sequence and it might alter its composition and physico-chemical properties. For these reasons, this variant has been classified as Pathogenic.

PreventionGenetics, part of Exact Sciences
Classification: Pathogenic for COL4A1-related condition. Last evaluated: 2024-05-20. Review status: no assertion criteria provided. Collection method: clinical testing. Allele origin: germline. Not counted in ClinVar's aggregate classification.
Comment: The COL4A1 c.2317G>A variant is predicted to result in the amino acid substitution p.Gly773Arg. This variant has been reported de novo in multiple individuals with clinical features consistent with COL4A1-related disorders (Deml et al. 2014. PubMed ID: 24628545; Slavotinek et al. 2015. PubMed ID: 25457163; Hausman-Kedem et al. 2021. PubMed ID: 33527515; Lenassi et al. 2021. PubMed ID: 31848469; PreventionGenetics, internal data). The p.Gly348Asp variant affects a glycine residue in the conserved triple helical domain, where substitutions of the glycine are usually pathogenic (Zagaglia et al. 2018. PubMed ID: 30413629). This variant has not been reported in a large population database, indicating this variant is rare and has been consistently interpreted as pathogenic and likely pathogenic in the ClinVar database. Taken together, this variant is interpreted as pathogenic.

Literature cited by the submitters: PubMed 28098982 (cited by Variantyx, Inc.); PubMed 25457163 (cited by 4 submitters); PubMed 24628545 (cited by 3 submitters); PubMed 22574627 (cited by 4 submitters); PubMed 33527515 (cited by 3 submitters); PubMed 7695699 (cited by Labcorp Genetics (formerly Invitae), Labcorp); PubMed 8218237 (cited by Labcorp Genetics (formerly Invitae), Labcorp); PubMed 19344236 (cited by Labcorp Genetics (formerly Invitae), Labcorp); PubMed 9016532 (cited by Labcorp Genetics (formerly Invitae), Labcorp); PubMed 17078022 (cited by Labcorp Genetics (formerly Invitae), Labcorp); PubMed 3691802 (cited by Ambry Genetics); PubMed 9724608 (cited by Ambry Genetics); PubMed 22914737 (cited by Ambry Genetics); PubMed 24374867 (cited by Ambry Genetics and 3billion); PubMed 33353976 (cited by 3billion); PubMed 31051113 (cited by 3billion).